The following is an entry in ClinVar:

NM_002907.4(RECQL):c.939A>C (p.Lys313Asn)

Gene: RECQL (RecQ like helicase; minus strand). Cytogenetic location: 12p12.1.
Variant type: single nucleotide variant.
Coding change: c.939A>C on transcript NM_002907.4 (MANE Select); coding-DNA position 939, A replaced by C.
Protein change: p.Lys313Asn; replaces lysine 313 with asparagine.
Molecular consequence: missense variant.
Genome position (GRCh38, 1-based): chr12:21,476,921, T>G on the plus strand (A>C on the coding strand, the complement: RECQL is on the minus strand). VCF-style: chr12-21476921-T-G. GRCh37 (hg19) VCF-style: chr12-21629855-T-G.
Other names: c.939A>C, p.Lys313Asn (NM_032941.3); short protein forms K313N.
Identifiers: ClinVar variation 2586026 (VCV002586026.2), dbSNP rs777664283, ClinGen allele CA384122858.

ClinVar aggregate classification (germline): Uncertain significance (1 of 4 stars; one submission).

gnomAD v4.1: 1 of 1,607,094 alleles (0.000062%); highest among the groups gnomAD compares: Admixed American, 0.0017%; no homozygotes.

Submission:

Ambry Genetics
Classification: Uncertain significance. Last evaluated: 2023-09-13. Review status: criteria provided, single submitter. Criteria: Ambry Variant Classification Scheme 2023. Collection method: clinical testing. Allele origin: germline.
Comment: The p.K313N variant (also known as c.939A>C), located in coding exon 7 of the RECQL gene, results from an A to C substitution at nucleotide position 939. The lysine at codon 313 is replaced by asparagine, an amino acid with similar properties. This amino acid position is conserved. In addition, this alteration is predicted to be tolerated by in silico analysis. Since supporting evidence is limited at this time, the clinical significance of this alteration remains unclear.